The following is an entry in ClinVar:

NM_001257096.2(PAX1):c.1249G>T (p.Ala417Ser)

Gene: PAX1 (paired box 1; plus strand). Cytogenetic location: 20p11.22.
Variant type: single nucleotide variant.
Coding change: c.1249G>T on transcript NM_001257096.2 (MANE Select); coding-DNA position 1249, G replaced by T.
Protein change: p.Ala417Ser; replaces alanine 417 with serine.
Molecular consequence: missense variant.
Genome position (GRCh38, 1-based): chr20:21,709,411, G>T. VCF-style: chr20-21709411-G-T. GRCh37 (hg19) VCF-style: chr20-21690049-G-T.
Other names: c.1249G>T, p.Ala417Ser (NM_006192.5); short protein forms A417S.
Identifiers: ClinVar variation 4738617 (VCV004738617.1).
Genomic context (GRCh38, chr20:21,709,411, plus strand): 5'-CAAGGTCCTCCTCTGGCGCCCCCCGGGGCCGGCGTAGCTGTGCATGGCGGGGAACTCGCG[G>T]CAGCAATGACCTTCAAGCATCCCAGCCGAGAAGGTGAGGAGCGCAGGGAGTGGGGCGGGT-3'
Protein context (NP_001244025.1, residues 407-427): GVAVHGGELA[Ala417Ser]AMTFKHPSRE

ClinVar aggregate classification (germline): Uncertain significance (1 of 4 stars; one submission).

gnomAD v4.1: 16 of 1,543,388 alleles (0.001%); highest among the groups gnomAD compares: African/African-American, 0.019%; no homozygotes.

Submission:

Labcorp Genetics (formerly Invitae), Labcorp
Classification: Uncertain significance. Last evaluated: 2025-08-14. Review status: criteria provided, single submitter. Criteria: Invitae Variant Classification Sherloc (09022015). Collection method: clinical testing. Allele origin: germline.
Comment: This sequence change replaces alanine, which is neutral and non-polar, with serine, which is neutral and polar, at codon 417 of the PAX1 protein (p.Ala417Ser). The frequency data for this variant in the population databases is considered unreliable, as metrics indicate poor data quality at this position in the gnomAD database. This variant has not been reported in the literature in individuals affected with PAX1-related conditions. Invitae Evidence Modeling of protein sequence and biophysical properties (such as structural, functional, and spatial information, amino acid conservation, physicochemical variation, residue mobility, and thermodynamic stability) indicates that this missense variant is not expected to disrupt PAX1 protein function with a negative predictive value of 80%. In summary, the available evidence is currently insufficient to determine the role of this variant in disease. Therefore, it has been classified as a Variant of Uncertain Significance.